The following is an entry in ClinVar:

ClinVar aggregate classification (germline): Uncertain significance. Review status: criteria provided, multiple submitters, no conflicts (2 of 4 stars). 4 submissions from 4 submitters: Uncertain significance (4). Last evaluated 2024-11-08.

Conditions:
Joubert syndrome 30. Identifiers: MedGen C4539937, MONDO:0033308, OMIM 617622.

Allele frequency attached by ClinVar (database versions not stated): TOPMed 0.00001; ExAC 0.00002; gnomAD exomes 0.00002; gnomAD 0.00003 and 0.00004.
gnomAD v4.1: 22 of 1,613,928 alleles (0.0014%); highest among the groups gnomAD compares: South Asian, 0.0033%; no homozygotes.

Submissions (4):

3billion
Classification: Uncertain significance for Joubert syndrome 30. Last evaluated: 2024-11-08. Review status: criteria provided, single submitter. Criteria: ACMG Guidelines, 2015. Collection method: clinical testing. Allele origin: germline. Affected: yes.
Comment: The variant is observed at an extremely low frequency in the gnomAD v4.1.0 dataset (total allele frequency: 0.001%). Predicted Consequence/Location: Missense variant. The majority of the known disease-causing variants of this gene are variants expected to result in premature termination of the protein. In silico tool predictions suggest damaging effect of the variant on gene or gene product [3Cnet: 0.93 (>=0.6, sensitivity 0.72 and precision 0.9)]. Different missense changes at the same codon (p.Arg343Cys, p.Arg343Ser) have been reported as pathogenic/likely pathogenic with strong evidence (ClinVar ID: VCV000427932, VCV000427937 /PMID: 28625504). Therefore, this variant is classified as VUS according to the recommendation of ACMG/AMP guideline.

Genomic Medicine Center of Excellence, King Faisal Specialist Hospital and Research Centre
Classification: Uncertain significance for Joubert syndrome 30. Last evaluated: 2024-03-29. Review status: criteria provided, single submitter. Criteria: ACMG Guidelines, 2015. Collection method: clinical testing. Allele origin: germline.

GeneDx
Classification: Uncertain significance. Last evaluated: 2023-02-13. Review status: criteria provided, single submitter. Criteria: GeneDx Variant Classification Process June 2021. Collection method: clinical testing. Allele origin: germline. Affected: yes.
Comment: In silico analysis supports that this missense variant has a deleterious effect on protein structure/function; Has not been previously published as pathogenic or benign to our knowledge

Labcorp Genetics (formerly Invitae), Labcorp
Classification: Uncertain significance. Last evaluated: 2022-04-26. Review status: criteria provided, single submitter. Criteria: Invitae Variant Classification Sherloc (09022015). Collection method: clinical testing. Allele origin: germline.
Comment: This sequence change replaces arginine, which is basic and polar, with histidine, which is basic and polar, at codon 343 of the ARMC9 protein (p.Arg343His). This variant is present in population databases (rs763548326, gnomAD 0.006%). This variant has not been reported in the literature in individuals affected with ARMC9-related conditions. ClinVar contains an entry for this variant (Variation ID: 955956). In summary, the available evidence is currently insufficient to determine the role of this variant in disease. Therefore, it has been classified as a Variant of Uncertain Significance.

Literature cited by the submitters: PubMed 28625504 (cited by 3billion).

NM_001352754.2(ARMC9):c.1028G>A (p.Arg343His)

Gene: ARMC9 (armadillo repeat containing 9; plus strand). Cytogenetic location: 2q37.1.
Variant type: single nucleotide variant.
Coding change: c.1028G>A on transcript NM_001352754.2 (MANE Select); coding-DNA position 1028, G replaced by A.
Protein change: p.Arg343His; replaces arginine 343 with histidine.
Molecular consequence: missense variant. On other transcripts: non-coding transcript variant (1).
Genome position (GRCh38, 1-based): chr2:231,262,307, G>A. VCF-style: chr2-231262307-G-A. GRCh37 (hg19) VCF-style: chr2-232127020-G-A.
Other names: c.1028G>A (NM_025139.5); c.1028G>A, p.Arg343His (NM_001271466.4, NM_001291656.2, NM_001352755.2 and 3 more transcripts); c.929G>A, p.Arg310His (NM_001352757.2, NM_001352758.2); short protein forms R343H, R310H.
Identifiers: ClinVar variation 955956 (VCV000955956.12), dbSNP rs763548326, ClinGen allele CA2160167.